The following is an entry in ClinVar:

ClinVar aggregate classification (germline): Uncertain significance (1 of 4 stars; one submission).

Conditions:
SIN3A-related disorder. Also called: SIN3A-related condition.

Submission:

PreventionGenetics, part of Exact Sciences
Classification: Uncertain significance for SIN3A-related condition. Last evaluated: 2022-09-23. Review status: criteria provided, single submitter. Criteria: ACMG Guidelines, 2015. Collection method: clinical testing. Allele origin: germline.
Comment: The SIN3A c.599T>C variant is predicted to result in the amino acid substitution p.Val200Ala. To our knowledge, this variant has not been reported in the literature or in a large population database, indicating this variant is rare. At this time, the clinical significance of this variant is uncertain due to the absence of conclusive functional and genetic evidence.

NM_001145358.2(SIN3A):c.599T>C (p.Val200Ala)

Gene: SIN3A (SIN3 transcription regulator family member A; minus strand). Cytogenetic location: 15q24.2.
Variant type: single nucleotide variant.
Coding change: c.599T>C on transcript NM_001145358.2 (MANE Select); coding-DNA position 599, T replaced by C.
Protein change: p.Val200Ala; replaces valine 200 with alanine.
Molecular consequence: missense variant.
Genome position (GRCh38, 1-based): chr15:75,412,920, A>G on the plus strand (T>C on the coding strand, the complement: SIN3A is on the minus strand). VCF-style: chr15-75412920-A-G. GRCh37 (hg19) VCF-style: chr15-75705261-A-G.
Other names: c.599T>C, p.Val200Ala (NM_001145357.2, NM_015477.3); short protein forms V200A.
Identifiers: ClinVar variation 2637319 (VCV002637319.1), dbSNP rs2542700159, ClinGen allele CA393451041.